The following is an entry in ClinVar:

NM_004187.5(KDM5C):c.1392C>T (p.Pro464=)

Gene: KDM5C (lysine demethylase 5C; minus strand). Cytogenetic location: Xp11.22.
Variant type: single nucleotide variant.
Coding change: c.1392C>T on transcript NM_004187.5 (MANE Select); coding-DNA position 1392, C replaced by T.
Protein change: p.Pro464=; no amino-acid change (proline 464 retained).
Molecular consequence: synonymous variant. On other transcripts: non-coding transcript variant (3).
Genome position (GRCh38, 1-based): chrX:53,211,506, G>A on the plus strand (C>T on the coding strand, the complement: KDM5C is on the minus strand). VCF-style: chrX-53211506-G-A. GRCh37 (hg19) VCF-style: chrX-53240688-G-A.
Other names: p.Pro464=; c.1392C>T (NM_004187.4); c.1191C>T, p.Pro397= (NM_001146702.2); c.1389C>T, p.Pro463= (NM_001282622.3, NM_001353979.2, NM_001353982.2); c.1392C>T, p.Pro464= (NM_001353978.3, NM_001353981.2, NM_001353984.2).
Identifiers: ClinVar variation 3615610 (VCV003615610.3).

ClinVar aggregate classification (germline): Benign/Likely benign. Review status: criteria provided, multiple submitters, no conflicts (2 of 4 stars). 2 submissions from 2 submitters: Benign (1); Likely benign (1). Last evaluated 2025-01-22.

Conditions:
Spastic paraplegia. Identifiers: MedGen C0037772, HP:0001258.

gnomAD v4.1: 2 of 1,209,660 alleles (0.00017%); highest among the groups gnomAD compares: African/African-American, 0.0017%; no homozygotes.

Submissions (2):

Labcorp Genetics (formerly Invitae), Labcorp
Classification: Benign for Spastic paraplegia. Last evaluated: 2025-01-22. Review status: criteria provided, single submitter. Criteria: Invitae Variant Classification Sherloc (09022015). Collection method: clinical testing. Allele origin: germline.

Mayo Clinic Laboratories, Mayo Clinic
Classification: Likely benign. Last evaluated: 2024-12-26. Review status: criteria provided, single submitter. Criteria: ACMG Guidelines, 2015. Collection method: clinical testing. Allele origin: germline. Observed: 1 variant allele.
Comment: BP4, BP7